The following is an entry in ClinVar:

NM_152564.5(VPS13B):c.9400A>G (p.Ser3134Gly)

Gene: VPS13B (vacuolar protein sorting 13 homolog B; plus strand). Cytogenetic location: 8q22.2.
Variant type: single nucleotide variant.
Coding change: c.9400A>G on transcript NM_152564.5 (MANE Select); coding-DNA position 9400, A replaced by G.
Protein change: p.Ser3134Gly; replaces serine 3134 with glycine.
Molecular consequence: missense variant.
Genome position (GRCh38, 1-based): chr8:99,832,438, A>G. VCF-style: chr8-99832438-A-G. GRCh37 (hg19) VCF-style: chr8-100844666-A-G.
Other names: c.9475A>G, p.Ser3159Gly (NM_017890.5); c.9400A>G (NM_152564.4); short protein forms S3159G, S3134G.
Identifiers: ClinVar variation 1436363 (VCV001436363.4), dbSNP rs138889735, ClinGen allele CA4824707.

ClinVar aggregate classification (germline): Uncertain significance. Review status: criteria provided, single submitter (1 of 4 stars). 2 submissions from 2 submitters: Uncertain significance (1). 1 of the submissions does not count toward it. Last evaluated 2021-08-30.

Conditions:
VPS13B-related disorder. Also called: VPS13B-related condition.
Cohen syndrome (COH1). Also called: PEPPER SYNDROME; Cutis verticis gyrata, retinitis pigmentosa, and sensorineural deafness. Identifiers: Orphanet 193, MedGen C0265223, MONDO:0008999, OMIM 216550.

Allele frequency attached by ClinVar (database versions not stated): gnomAD 0.00001 and 0.00002; gnomAD exomes 0.00001 and 0.00003; ExAC 0.00002; ESP Exome Variant Server 0.00008.
gnomAD v4.1: 39 of 1,596,744 alleles (0.0024%); highest among the groups gnomAD compares: Non-Finnish European, 0.0031%; no homozygotes.

Submissions (2):

Labcorp Genetics (formerly Invitae), Labcorp
Classification: Uncertain significance for Cohen syndrome. Last evaluated: 2021-08-30. Review status: criteria provided, single submitter. Criteria: Invitae Variant Classification Sherloc (09022015). Collection method: clinical testing. Allele origin: germline.

PreventionGenetics, part of Exact Sciences
Classification: Uncertain significance for VPS13B-related condition. Last evaluated: 2024-09-25. Review status: no assertion criteria provided. Collection method: clinical testing. Allele origin: germline. Not counted in ClinVar's aggregate classification.
Comment: The VPS13B c.9400A>G variant is predicted to result in the amino acid substitution p.Ser3134Gly. To our knowledge, this variant has not been reported in the literature. This variant is reported in 0.0024% of alleles in individuals of European (Non-Finnish) descent in gnomAD. At this time, the clinical significance of this variant is uncertain due to the absence of conclusive functional and genetic evidence.